The following is an entry in ClinVar:

NM_033225.6(CSMD1):c.3195C>G (p.Asp1065Glu)

Gene: CSMD1 (CUB and Sushi multiple domains 1; minus strand). Cytogenetic location: 8p23.2.
Variant type: single nucleotide variant.
Coding change: c.3195C>G on transcript NM_033225.6 (MANE Select); coding-DNA position 3195, C replaced by G.
Protein change: p.Asp1065Glu; replaces aspartic acid 1065 with glutamic acid.
Molecular consequence: missense variant.
Genome position (GRCh38, 1-based): chr8:3,359,261, G>C on the plus strand (C>G on the coding strand, the complement: CSMD1 is on the minus strand). VCF-style: chr8-3359261-G-C. GRCh37 (hg19) VCF-style: chr8-3216783-G-C.
Other names: short protein forms D1065E.
Identifiers: ClinVar variation 4840169 (VCV004840169.1).
Genomic context (GRCh38, chr8:3,359,261, plus strand): 5'-GCAGGTAAGCTTGGTGGCACCTTCTAAACGATATCCCAGGAAGCAGGAAAACGTCAGAGA[G>C]TCTCCCACACCAAAGTGAAAACCAATTCTTCGGCTGAAGGCAGGGACTCCAGGATCATCA-3'
Protein context (NP_150094.5, residues 1055-1075): RRIGFHFGVG[Asp1065Glu]SLTFSCFLGY

ClinVar aggregate classification (germline): Uncertain significance (1 of 4 stars; one submission).

gnomAD v4.1: 3 of 1,613,862 alleles (0.00019%); highest among the groups gnomAD compares: South Asian, 0.0022%; no homozygotes.

Submission:

Ambry Genetics
Classification: Uncertain significance. Last evaluated: 2026-02-17. Review status: criteria provided, single submitter. Criteria: Ambry Variant Classification Scheme 2023. Collection method: clinical testing. Allele origin: germline.
Comment: The c.3195C>G (p.D1065E) alteration is located in exon 21 (coding exon 21) of the CSMD1 gene. This alteration results from a C to G substitution at nucleotide position 3195, causing the aspartic acid (D) at amino acid position 1065 to be replaced by a glutamic acid (E). Based on data from gnomAD, the G allele has an overall frequency of 0.001% (2/250496) total alleles studied. The highest observed frequency was 0.005% (1/18368) of East Asian alleles. Based on insufficient or conflicting evidence, the clinical significance of this alteration remains unclear.